The following is an entry in ClinVar:

ClinVar aggregate classification (germline): Uncertain significance (1 of 4 stars; one submission).

Submission:

Labcorp Genetics (formerly Invitae), Labcorp
Classification: Uncertain significance. Last evaluated: 2024-12-14. Review status: criteria provided, single submitter. Criteria: Invitae Variant Classification Sherloc (09022015). Collection method: clinical testing. Allele origin: germline.
Comment: This variant, c.1074_1076del, results in the deletion of 1 amino acid(s) of the POLA1 protein (p.Val359del), but otherwise preserves the integrity of the reading frame. This variant is present in population databases (no rsID available, gnomAD 0.009%). This variant has not been reported in the literature in individuals affected with POLA1-related conditions. Experimental studies and prediction algorithms are not available or were not evaluated, and the functional significance of this variant is currently unknown. In summary, the available evidence is currently insufficient to determine the role of this variant in disease. Therefore, it has been classified as a Variant of Uncertain Significance.

NM_001330360.2(POLA1):c.1092_1094del (p.Val365del)

Gene: POLA1 (DNA polymerase alpha 1, catalytic subunit; plus strand). Cytogenetic location: Xp22.11.
Variant type: Deletion.
Coding change: c.1092_1094del on transcript NM_001330360.2 (MANE Select); coding-DNA positions 1092 to 1094, 3 bases deleted (GGT; older notation c.1092_1094delGGT).
Protein change: p.Val365del; deletes valine 365.
Molecular consequence: inframe deletion. On other transcripts: non-coding transcript variant (2).
Genome position (GRCh38, 1-based): chrX:24,723,159-24,723,161, GGT deleted; deleting any 3 consecutive bases within chrX:24,723,157-24,723,161 gives the same sequence; the c. name uses the placement nearest the transcript's 3' end. VCF-style (leftmost placement, unchanged base first): chrX-24723156-TGTG-T. GRCh37 (hg19) VCF-style: chrX-24741273-TGTG-T.
Other names: c.1092_1094del, p.Val365del (NM_001378303.1); c.1074_1076del, p.Val359del (NM_016937.4); short protein forms V359del, V365del.
Identifiers: ClinVar variation 3619289 (VCV003619289.2).